The following is an entry in ClinVar:

NM_001374736.1(DST):c.12292C>G (p.Pro4098Ala)

Genes: DST (dystonin; minus strand), LOC129996656 (ATAC-STARR-seq lymphoblastoid active region 24702; plus strand). Cytogenetic location: 6p12.1.
Variant type: single nucleotide variant.
Coding change: c.12292C>G on transcript NM_001374736.1 (MANE Select); coding-DNA position 12292, C replaced by G.
Protein change: p.Pro4098Ala; replaces proline 4098 with alanine.
Molecular consequence: missense variant.
Genome position (GRCh38, 1-based): chr6:56,594,097, G>C on the plus strand (C>G on the coding strand, the complement: DST is on the minus strand). VCF-style: chr6-56594097-G-C. GRCh37 (hg19) VCF-style: chr6-56458895-G-C.
Other names: c.5935C>G, p.Pro1979Ala (NM_001144769.5); c.5521C>G, p.Pro1841Ala (NM_001144770.2); c.12292C>G, p.Pro4098Ala (NM_001374722.1); c.11659C>G, p.Pro3887Ala (NM_001374729.1); c.5401C>G, p.Pro1801Ala (NM_001374730.1, NM_001386100.1, NM_183380.4); c.12319C>G, p.Pro4107Ala (NM_001374734.1); c.4423C>G, p.Pro1475Ala (NM_015548.5); short protein forms P4098A, P4107A, P1841A, P3887A, P1475A, P1801A, P1979A.
Identifiers: ClinVar variation 1038230 (VCV001038230.6), dbSNP rs368463876, ClinGen allele CA3868466.
Genomic context (GRCh38, chr6:56,594,097, plus strand): 5'-CAGTTTCATAATGCACTTTCAGTTCCTTCATGTTCTTTTGCAGTTTCTCTTTTTCTTCAG[G>C]AGAGAGATACTGACCCTGTTTCTCAAGCAACACTTGTGCAGACTGAGTGGCTATGATCAC-3'
Protein context (NP_001361665.1, residues 4088-4108): LLEKQGQYLS[Pro4098Ala]EEKEKLQKNM

ClinVar aggregate classification (germline): Uncertain significance (1 of 4 stars; one submission).

Conditions:
Hereditary sensory and autonomic neuropathy type 6. Also called: Neuropathy, hereditary sensory and autonomic, type VI; HSAN VI. Identifiers: Orphanet 314381, MedGen C3539003, MONDO:0013839, OMIM 614653.
Epidermolysis bullosa simplex 3, localized or generalized intermediate, with BP230 deficiency (EBS3). Also called: Epidermolysis bullosa simplex, autosomal recessive 2; Epidermolysis bullosa simplex due to BP230 deficiency. Identifiers: Orphanet 412181, MedGen C3809470, MONDO:0014180, OMIM 615425.

Allele frequency attached by ClinVar (database versions not stated): gnomAD exomes below 0.00001 and 0.00002; TOPMed below 0.00001; ExAC 0.00001; ESP Exome Variant Server 0.00008.
gnomAD v4.1: 25 of 1,610,676 alleles (0.0016%); highest among the groups gnomAD compares: Non-Finnish European, 0.002%; no homozygotes.

Submission:

Labcorp Genetics (formerly Invitae), Labcorp
Classification: Uncertain significance for Epidermolysis bullosa simplex 3, localized or generalized intermediate, with BP230 deficiency; Hereditary sensory and autonomic neuropathy type 6. Last evaluated: 2022-08-20. Review status: criteria provided, single submitter. Criteria: Invitae Variant Classification Sherloc (09022015). Collection method: clinical testing. Allele origin: germline.
Comment: The DST gene has multiple clinically relevant transcripts. This variant occurs in alternate transcript NM_015548.4, and corresponds to NM_001723.5:c.*21420C>G in the primary transcript. This sequence change replaces proline, which is neutral and non-polar, with alanine, which is neutral and non-polar, at codon 1475 of the DST protein (p.Pro1475Ala). This variant is not present in population databases (gnomAD no frequency). This variant has not been reported in the literature in individuals affected with DST-related conditions. Experimental studies and prediction algorithms are not available or were not evaluated, and the functional significance of this variant is currently unknown. In summary, the available evidence is currently insufficient to determine the role of this variant in disease. Therefore, it has been classified as a Variant of Uncertain Significance.